The following is an entry in ClinVar:

NM_024422.6(DSC2):c.509_512dup (p.Tyr171Ter)

Gene: DSC2 (desmocollin 2; minus strand). Cytogenetic location: 18q12.1.
Variant type: Duplication.
Coding change: c.509_512dup on transcript NM_024422.6 (MANE Select); coding-DNA positions 509 to 512, 4 bases duplicated (ACTA; older notation c.509_512dupACTA).
Protein change: p.Tyr171Ter; replaces tyrosine 171 with a stop codon.
Molecular consequence: nonsense.
Genome position (GRCh38, 1-based): chr18:31,089,557-31,089,560, TAGT duplicated on the plus strand (ACTA on the coding strand, the reverse complement: DSC2 is on the minus strand). VCF-style (leftmost placement, unchanged base first): chr18-31089556-A-ATAGT. GRCh37 (hg19) VCF-style: chr18-28669519-A-ATAGT.
Other names: c.80_83dup, p.Tyr28Ter (NM_001406506.1, NM_001406507.1); c.509_512dup, p.Tyr171Ter (NM_004949.5); short protein forms Y171*, Y28*.
Identifiers: ClinVar variation 4614001 (VCV004614001.1).

ClinVar aggregate classification (germline): Pathogenic (1 of 4 stars; one submission).

Conditions:
Cardiovascular phenotype. Identifiers: MedGen CN230736.

Submission:

Ambry Genetics
Classification: Pathogenic for Cardiovascular phenotype. Last evaluated: 2025-10-20. Review status: criteria provided, single submitter. Criteria: Ambry Variant Classification Scheme 2023. Collection method: clinical testing. Allele origin: germline.
Comment: The c.509_512dupACTA (p.Y171*) alteration, located in coding exon 5 of the DSC2 gene, consists of a duplication of ACTA at position 509 to 512. This changes the amino acid from a tyrosine (Y) to a stop codon at amino acid position 171. This alteration is expected to result in loss of function by premature protein truncation or nonsense-mediated mRNA decay. This variant was not reported in population-based cohorts in the Genome Aggregation Database (gnomAD). Based on the available evidence, this alteration is classified as pathogenic.